The following is an entry in ClinVar:

ClinVar aggregate classification (germline): Uncertain significance (1 of 4 stars; one submission).

gnomAD v4.1: 1 of 1,606,974 alleles (0.000062%); highest among the groups gnomAD compares: Non-Finnish European, 0.000085%; no homozygotes.

Submission:

Labcorp Genetics (formerly Invitae), Labcorp
Classification: Uncertain significance. Last evaluated: 2024-11-16. Review status: criteria provided, single submitter. Criteria: Invitae Variant Classification Sherloc (09022015). Collection method: clinical testing. Allele origin: germline.
Comment: This sequence change replaces tyrosine, which is neutral and polar, with cysteine, which is neutral and slightly polar, at codon 939 of the LONP1 protein (p.Tyr939Cys). This variant is not present in population databases (gnomAD no frequency). This variant has not been reported in the literature in individuals affected with LONP1-related conditions. Invitae Evidence Modeling of protein sequence and biophysical properties (such as structural, functional, and spatial information, amino acid conservation, physicochemical variation, residue mobility, and thermodynamic stability) indicates that this missense variant is expected to disrupt LONP1 protein function with a positive predictive value of 95%. In summary, the available evidence is currently insufficient to determine the role of this variant in disease. Therefore, it has been classified as a Variant of Uncertain Significance.

NM_004793.4(LONP1):c.2816A>G (p.Tyr939Cys)

Gene: LONP1 (lon peptidase 1, mitochondrial; minus strand). Cytogenetic location: 19p13.3.
Variant type: single nucleotide variant.
Coding change: c.2816A>G on transcript NM_004793.4 (MANE Select); coding-DNA position 2816, A replaced by G.
Protein change: p.Tyr939Cys; replaces tyrosine 939 with cysteine.
Molecular consequence: missense variant. On other transcripts: non-coding transcript variant (1).
Genome position (GRCh38, 1-based): chr19:5,692,096, T>C on the plus strand (A>G on the coding strand, the complement: LONP1 is on the minus strand). VCF-style: chr19-5692096-T-C. GRCh37 (hg19) VCF-style: chr19-5692107-T-C.
Other names: c.2624A>G, p.Tyr875Cys (NM_001276479.2); c.2228A>G, p.Tyr743Cys (NM_001276480.1); short protein forms Y743C, Y875C, Y939C.
Identifiers: ClinVar variation 3693901 (VCV003693901.2).